The following is an entry in ClinVar:

ClinVar aggregate classification (germline): Pathogenic. Review status: reviewed by expert panel (3 of 4 stars). 9 submissions from 9 submitters: Pathogenic (1). 8 of the submissions do not count toward it. Last evaluated 2017-03-17.

Conditions:
CFTR-related disorder (CFTR-RD). Also called: CFTR-related disorders; CFTR-related condition. Identifiers: MedGen C5924204, MONDO:7770004.
Cystic fibrosis (CF). Also called: MUCOVISCIDOSIS. Identifiers: Orphanet 586, MedGen C0010674, MONDO:0009061, OMIM 219700. Disease mechanism: loss of function.

Allele frequency attached by ClinVar (database versions not stated): gnomAD exomes below 0.00001.
gnomAD v4.1: 1 of 1,612,686 alleles (0.000062%); highest among the groups gnomAD compares: Non-Finnish European, 0.000085%; no homozygotes.

Submissions (9):

CFTR2
Classification: Pathogenic for Cystic fibrosis. Last evaluated: 2017-03-17. Review status: reviewed by expert panel. Criteria: Sosnay PR et al. (Nat Genet 2013). Collection method: research. Allele origin: germline. Affected: yes. Study: CFTR2.

Labcorp Genetics (formerly Invitae), Labcorp
Classification: Pathogenic for Cystic fibrosis. Last evaluated: 2023-12-05. Review status: criteria provided, single submitter. Criteria: Invitae Variant Classification Sherloc (09022015). Collection method: clinical testing. Allele origin: germline. Not counted in ClinVar's aggregate classification.
Comment: This sequence change creates a premature translational stop signal (p.Gln414*) in the CFTR gene. It is expected to result in an absent or disrupted protein product. Loss-of-function variants in CFTR are known to be pathogenic (PMID: 1695717, 7691345, 9725922). This variant is not present in population databases (gnomAD no frequency). This premature translational stop signal has been observed in individual(s) with cystic fibrosis (PMID: 7505767). In at least one individual the data is consistent with being in trans (on the opposite chromosome) from a pathogenic variant. ClinVar contains an entry for this variant (Variation ID: 53222). For these reasons, this variant has been classified as Pathogenic.

Institute of Human Genetics, University of Leipzig Medical Center
Classification: Pathogenic for Cystic fibrosis. Last evaluated: 2022-09-05. Review status: criteria provided, single submitter. Criteria: ACMG Guidelines, 2015. Collection method: curation. Allele origin: unknown. Affected: yes. Observed: 1 variant allele. Not counted in ClinVar's aggregate classification.
Comment: The variant was classified in the context of a project re-classifying variants in the German Cystic Fibrosis Registry (Muko.e.V.). Criteria applied: PVS1, PM2_SUP, PM3, PP4

Revvity Omics, Revvity
Classification: Pathogenic. Last evaluated: 2022-05-23. Review status: criteria provided, single submitter. Criteria: ACMG Guidelines, 2015. Collection method: clinical testing. Allele origin: germline. Not counted in ClinVar's aggregate classification.

ARUP Laboratories, Molecular Genetics and Genomics, ARUP Laboratories
Classification: Pathogenic. Last evaluated: 2020-03-16. Review status: criteria provided, single submitter. Criteria: ARUP Molecular Germline Variant Investigation Process. Collection method: clinical testing. Allele origin: germline. Not counted in ClinVar's aggregate classification.
Comment: The CFTR c.1240C>T; p.Gln414Ter variant (rs397508183) is reported in the literature in the compound heterozygous state with other pathogenic CFTR variants in individuals affected with cystic fibrosis (Dork 1994, Wang 2019). This variant is reported in ClinVar (Variation ID: 53222), and is absent from general population databases (Exome Variant Server, Genome Aggregation Database), indicating it is not a common polymorphism. This variant induces an early termination codon and is predicted to result in a truncated protein or mRNA subject to nonsense-mediated decay. Based on available information, this variant is considered to be pathogenic. References: Dork T et al. Exon 9 of the CFTR gene: splice site haplotypes and cystic fibrosis mutations. Hum Genet. 1994 Jan;93(1):67-73. Wang YQ et al. c.753_754delAG, a novel CFTR mutation found in a Chinese patient with cystic fibrosis: A case report and review of the literature. World J Clin Cases. 2019 Aug 6;7(15):2110-2119.

CeGaT Center for Human Genetics Tuebingen
Classification: Pathogenic. Last evaluated: 2019-12-01. Review status: criteria provided, single submitter. Criteria: CeGaT Center For Human Genetics Tuebingen Variant Classification Criteria Version 2. Collection method: clinical testing. Allele origin: germline. Affected: yes. Observed: 1 variant allele. Not counted in ClinVar's aggregate classification.

CFTR-France
Classification: Pathogenic for cystic fibrosis. Last evaluated: 2018-01-29. Review status: criteria provided, single submitter. Criteria: Claustres M et al. (Hum Mutat 2017). Collection method: curation. Allele origin: germline. Affected: yes. Not counted in ClinVar's aggregate classification.

Ambry Genetics
Classification: Pathogenic for Cystic fibrosis. Last evaluated: 2015-09-23. Review status: criteria provided, single submitter. Criteria: Ambry Variant Classification Scheme 2023. Collection method: clinical testing. Allele origin: germline. Not counted in ClinVar's aggregate classification.
Comment: The p.Q414* pathogenic mutation (also known as c.1240C>T and p.Q414X), located in coding exon 10 of the CFTR gene, results from a C to T substitution at nucleotide position 1240. This changes the amino acid from a glutamine to a stop codon within coding exon 10. This alteration has been associated with pancreatic insufficiency, decreased lung function and elevated sweat chloride levels (The Clinical and Functional Translation of CFTR (CFTR2); available at CFTR2. Accessed September 17, 2015). In addition to the clinical data presented in the literature, since premature stop codons are typically deleterious in nature, this alteration is interpreted as a disease-causing mutation (ACMG Recommendations for Standards for Interpretation and Reporting of Sequence Variations. Revision 2007. Genet Med. 2008;10:294).

Natera, Inc.
Classification: Pathogenic for CFTR-related disorders. Last evaluated: 2017-12-08. Review status: no assertion criteria provided. Collection method: clinical testing. Allele origin: germline. Not counted in ClinVar's aggregate classification.

Literature cited by the submitters: PubMed 1695717 (cited by Labcorp Genetics (formerly Invitae), Labcorp); PubMed 7691345 (cited by Labcorp Genetics (formerly Invitae), Labcorp); PubMed 9725922 (cited by Labcorp Genetics (formerly Invitae), Labcorp); PubMed 7505767 (cited by Labcorp Genetics (formerly Invitae), Labcorp).

NM_000492.4(CFTR):c.1240C>T (p.Gln414Ter)

Genes: CFTR (CF transmembrane conductance regulator; plus strand), CFTR-AS1 (CFTR antisense RNA 1; minus strand). Cytogenetic location: 7q31.2.
Variant type: single nucleotide variant.
Coding change: c.1240C>T on transcript NM_000492.4 (MANE Select); coding-DNA position 1240, C replaced by T.
Protein change: p.Gln414Ter; replaces glutamine 414 with a stop codon.
Molecular consequence: nonsense.
Genome position (GRCh38, 1-based): chr7:117,548,671, C>T. VCF-style: chr7-117548671-C-T. GRCh37 (hg19) VCF-style: chr7-117188725-C-T.
Other names: short protein forms Q414*.
Identifiers: ClinVar variation 53222 (VCV000053222.61), dbSNP rs397508183, ClinGen allele CA326443.